The following is an entry in ClinVar:

ClinVar aggregate classification (germline): Uncertain significance (1 of 4 stars; one submission).

Allele frequency attached by ClinVar (database versions not stated): gnomAD exomes below 0.00001.
gnomAD v4.1: 2 of 1,613,728 alleles (0.00012%); highest among the groups gnomAD compares: Non-Finnish European, 0.000085%; no homozygotes.

Submission:

Labcorp Genetics (formerly Invitae), Labcorp
Classification: Uncertain significance. Last evaluated: 2025-01-13. Review status: criteria provided, single submitter. Criteria: Invitae Variant Classification Sherloc (09022015). Collection method: clinical testing. Allele origin: germline.
Comment: This sequence change replaces proline, which is neutral and non-polar, with arginine, which is basic and polar, at codon 649 of the CDH23 protein (p.Pro649Arg). This variant is not present in population databases (gnomAD no frequency). This variant has not been reported in the literature in individuals affected with CDH23-related conditions. ClinVar contains an entry for this variant (Variation ID: 1007216). Invitae Evidence Modeling of protein sequence and biophysical properties (such as structural, functional, and spatial information, amino acid conservation, physicochemical variation, residue mobility, and thermodynamic stability) has been performed for this missense variant. However, the output from this modeling did not meet the statistical confidence thresholds required to predict the impact of this variant on CDH23 protein function. In summary, the available evidence is currently insufficient to determine the role of this variant in disease. Therefore, it has been classified as a Variant of Uncertain Significance.

NM_022124.6(CDH23):c.1946C>G (p.Pro649Arg)

Gene: CDH23 (cadherin related 23; plus strand). Cytogenetic location: 10q22.1.
Variant type: single nucleotide variant.
Coding change: c.1946C>G on transcript NM_022124.6 (MANE Select); coding-DNA position 1946, C replaced by G.
Protein change: p.Pro649Arg; replaces proline 649 with arginine.
Molecular consequence: missense variant.
Genome position (GRCh38, 1-based): chr10:71,682,532, C>G. VCF-style: chr10-71682532-C-G. GRCh37 (hg19) VCF-style: chr10-73442289-C-G.
Other names: c.1946C>G, p.Pro649Arg (NM_001171930.2, NM_001171931.2); short protein forms P649R.
Identifiers: ClinVar variation 1007216 (VCV001007216.8), dbSNP rs1864697118, ClinGen allele CA377132667.
Genomic context (GRCh38, chr10:71,682,532, plus strand): 5'-ATGAACAGATATCCAATGGGCTGATTTATCTGACGGTCATGGCCATGGATGCTGGCAACC[C>G]CCCTCTCAACAGCACCGTCCCTGTCACCATCGAGGTGTTTGTAAGTACCCAGGGCCACTG-3'
Protein context (NP_071407.4, residues 639-659): LTVMAMDAGN[Pro649Arg]PLNSTVPVTI